The following is an entry in ClinVar:

ClinVar aggregate classification (germline): Benign/Likely benign. Review status: criteria provided, multiple submitters, no conflicts (2 of 4 stars). 5 submissions from 5 submitters: Benign (1); Likely benign (4). Last evaluated 2025-12-16.

Conditions:
SBF2-related disorder. Also called: SBF2-related condition.
Charcot-Marie-Tooth disease type 4. Also called: Charcot-Marie-Tooth disease, type IV; Charcot-Marie-Tooth, Type 4. Identifiers: Orphanet 64749, MedGen C4082197, MONDO:0018995.

Allele frequency attached by ClinVar (database versions not stated): ExAC 0.00022; gnomAD exomes 0.00027; ESP Exome Variant Server 0.00031; gnomAD 0.00039 and 0.00041; TOPMed 0.00042.
gnomAD v4.1: 316 of 1,614,158 alleles (0.02%); highest among the groups gnomAD compares: Middle Eastern, 0.12%; 1 homozygote.

Submissions (5):

Labcorp Genetics (formerly Invitae), Labcorp
Classification: Likely benign for Charcot-Marie-Tooth disease type 4. Last evaluated: 2025-12-16. Review status: criteria provided, single submitter. Criteria: Invitae Variant Classification Sherloc (09022015). Collection method: clinical testing. Allele origin: germline.

PreventionGenetics, part of Exact Sciences
Classification: Likely benign for SBF2-related condition. Last evaluated: 2025-03-09. Review status: criteria provided, single submitter. Criteria: ACMG Guidelines, 2015. Collection method: clinical testing. Allele origin: germline.
Comment: This variant is classified as likely benign based on ACMG/AMP sequence variant interpretation guidelines (Richards et al. 2015 PMID: 25741868, with internal and published modifications).

Blueprint Genetics
Classification: Likely benign. Last evaluated: 2024-11-08. Review status: criteria provided, single submitter. Criteria: ACMG Guidelines, 2015. Collection method: clinical testing. Allele origin: germline.

Athena Diagnostics
Classification: Benign. Last evaluated: 2024-03-29. Review status: criteria provided, single submitter. Criteria: Athena Diagnostics Criteria. Collection method: clinical testing. Allele origin: unknown.

CeGaT Center for Human Genetics Tuebingen
Classification: Likely benign. Last evaluated: 2023-06-01. Review status: criteria provided, single submitter. Criteria: CeGaT Center For Human Genetics Tuebingen Variant Classification Criteria Version 2. Collection method: clinical testing. Allele origin: germline. Affected: yes. Observed: 1 variant allele.
Comment: SBF2: BP4, BP7

NM_030962.4(SBF2):c.1965G>A (p.Thr655=)

Genes: SBF2 (SET binding factor 2; minus strand), LOC101928008 (uncharacterized LOC101928008; plus strand). Cytogenetic location: 11p15.4.
Variant type: single nucleotide variant.
Coding change: c.1965G>A on transcript NM_030962.4 (MANE Select); coding-DNA position 1965, G replaced by A.
Protein change: p.Thr655=; no amino-acid change (threonine 655 retained).
Molecular consequence: synonymous variant.
Genome position (GRCh38, 1-based): chr11:9,858,361, C>T on the plus strand (G>A on the coding strand, the complement: SBF2 is on the minus strand). VCF-style: chr11-9858361-C-T. GRCh37 (hg19) VCF-style: chr11-9879908-C-T.
Other names: c.1965G>A, p.Thr655= (NM_001386339.1); c.1836G>A, p.Thr612= (NM_001386342.1).
Identifiers: ClinVar variation 698301 (VCV000698301.38), dbSNP rs143732754, ClinGen allele CA5881671.